The following is an entry in ClinVar:

ClinVar aggregate classification (germline): Uncertain significance (1 of 4 stars; one submission).

Conditions:
Cardiovascular phenotype. Identifiers: MedGen CN230736.

Submission:

Ambry Genetics
Classification: Uncertain significance for Cardiovascular phenotype. Last evaluated: 2026-01-02. Review status: criteria provided, single submitter. Criteria: Ambry Variant Classification Scheme 2023. Collection method: clinical testing. Allele origin: germline.
Comment: The c.877_878delGAinsAT variant, located in coding exon 7 of the DSP gene, results from an in-frame deletion of GA and insertion of AT at nucleotide positions 877 to 878. This results in the substitution of the glutamic acid residue for a methionine residue at codon 293, an amino acid with dissimilar properties. Other variant(s) at the same codon, p.E293K (c.877G>A), have been identified in individual(s) with features consistent with arrhythmogenic cardiomyopathy with predominant left ventricular involvement, and was also reported to segregate with disease in a family (Grondin S et al. Am J Med Genet A, 2020 Oct;182:2359-2368). This amino acid position is highly conserved in available vertebrate species. In addition, this variant is predicted to be deleterious by in silico analysis (Choi Y et al. PLoS ONE. 2012; 7(10):e46688). Based on the available evidence, the clinical significance of this variant remains unclear.

NM_004415.4(DSP):c.877_878delinsAT (p.Glu293Met)

Gene: DSP (desmoplakin; plus strand). Cytogenetic location: 6p24.3.
Variant type: Indel.
Coding change: c.877_878delinsAT on transcript NM_004415.4 (MANE Select); coding-DNA positions 877 to 878, GA replaced by AT.
Protein change: p.Glu293Met; replaces glutamic acid 293 with methionine.
Molecular consequence: missense variant.
Genome position (GRCh38, 1-based): chr6:7,565,458-7,565,459, GA replaced by AT. VCF-style: chr6-7565458-GA-AT. GRCh37 (hg19) VCF-style: chr6-7565691-GA-AT.
Other names: c.877_878delinsAT, p.Glu293Met (NM_001008844.3, NM_001319034.2, NM_001406591.1); short protein forms E293M.
Identifiers: ClinVar variation 4843725 (VCV004843725.1).